The following is an entry in ClinVar:

NM_032229.3(SLITRK6):c.1780G>A (p.Ala594Thr)

Gene: SLITRK6 (SLIT and NTRK like family member 6; minus strand). Cytogenetic location: 13q31.1.
Variant type: single nucleotide variant.
Coding change: c.1780G>A on transcript NM_032229.3 (MANE Select); coding-DNA position 1780, G replaced by A.
Protein change: p.Ala594Thr; replaces alanine 594 with threonine.
Molecular consequence: missense variant.
Genome position (GRCh38, 1-based): chr13:85,794,729, C>T on the plus strand (G>A on the coding strand, the complement: SLITRK6 is on the minus strand). VCF-style: chr13-85794729-C-T. GRCh37 (hg19) VCF-style: chr13-86368864-C-T.
Other names: short protein forms A594T.
Identifiers: ClinVar variation 4686267 (VCV004686267.1).
Genomic context (GRCh38, chr13:85,794,729, plus strand): 5'-GTCCCAATATTAGAACAGACAGTGGCACAGCGTCCGTAAGAGATCGTAAAATAGTATCAG[C>T]CGTATTTGTTGTTGTTGCAGGAGTGGTGACCATAAGGTAACTAGTCTGTGTTGGCATGGA-3'
Protein context (NP_115605.2, residues 584-604): VTTPATTTNT[Ala594Thr]DTILRSLTDA

ClinVar aggregate classification (germline): Uncertain significance (1 of 4 stars; one submission).

Submission:

GeneDx
Classification: Uncertain significance. Last evaluated: 2025-07-12. Review status: criteria provided, single submitter. Criteria: GeneDx Variant Classification Process June 2021. Collection method: clinical testing. Allele origin: germline. Affected: yes.
Comment: Not observed at significant frequency in large population cohorts (gnomAD); In silico analysis suggests that this missense variant does not alter protein structure/function; Has not been previously published as pathogenic or benign to our knowledge